The following is an entry in ClinVar:

NM_015450.3(POT1):c.1541A>T (p.Asn514Ile)

Gene: POT1 (protection of telomeres 1; minus strand). Cytogenetic location: 7q31.33.
Variant type: single nucleotide variant.
Coding change: c.1541A>T on transcript NM_015450.3 (MANE Select); coding-DNA position 1541, A replaced by T.
Protein change: p.Asn514Ile; replaces asparagine 514 with isoleucine.
Molecular consequence: missense variant. On other transcripts: non-coding transcript variant (2).
Genome position (GRCh38, 1-based): chr7:124,829,307, T>A on the plus strand (A>T on the coding strand, the complement: POT1 is on the minus strand). VCF-style: chr7-124829307-T-A. GRCh37 (hg19) VCF-style: chr7-124469361-T-A.
Other names: c.1148A>T, p.Asn383Ile (NM_001042594.2); short protein forms N383I, N514I.
Identifiers: ClinVar variation 1976043 (VCV001976043.5), dbSNP rs1794704563, ClinGen allele CA369064534.

ClinVar aggregate classification (germline): Uncertain significance (1 of 4 stars; one submission).

Conditions:
Tumor predisposition syndrome 3 (TPDS3). Also called: LONG TELOMERE SYNDROME, POT1-RELATED; POT1 Tumor Predisposition; Melanoma, cutaneous malignant, susceptibility to, 10; Glioma susceptibility 9. Identifiers: Orphanet 618, MedGen C4014476, MONDO:0014368, OMIM 615848.

Allele frequency attached by ClinVar (database versions not stated): TOPMed below 0.00001.

Submission:

Labcorp Genetics (formerly Invitae), Labcorp
Classification: Uncertain significance for Tumor predisposition syndrome 3. Last evaluated: 2025-06-02. Review status: criteria provided, single submitter. Criteria: Invitae Variant Classification Sherloc (09022015). Collection method: clinical testing. Allele origin: germline.
Comment: This sequence change replaces asparagine, which is neutral and polar, with isoleucine, which is neutral and non-polar, at codon 514 of the POT1 protein (p.Asn514Ile). This variant is not present in population databases (gnomAD no frequency). This variant has not been reported in the literature in individuals affected with POT1-related conditions. ClinVar contains an entry for this variant (Variation ID: 1976043). Invitae Evidence Modeling of protein sequence and biophysical properties (such as structural, functional, and spatial information, amino acid conservation, physicochemical variation, residue mobility, and thermodynamic stability) indicates that this missense variant is not expected to disrupt POT1 protein function with a negative predictive value of 80%. In summary, the available evidence is currently insufficient to determine the role of this variant in disease. Therefore, it has been classified as a Variant of Uncertain Significance.